The following is an entry in ClinVar:

ClinVar aggregate classification (germline): Uncertain significance (1 of 4 stars; one submission).

Submission:

Women's Health and Genetics/Laboratory Corporation of America, LabCorp
Classification: Uncertain significance. Last evaluated: 2022-03-15. Review status: criteria provided, single submitter. Criteria: LabCorp Variant Classification Summary - May 2015. Collection method: clinical testing. Allele origin: germline.
Comment: Variant summary: The variant identified by MLPA or other technology involves the duplication of exons 10-12 in the ALMS1 gene. A presumed nomenclature of c.(7671+1_7672-1)_(9904+1_9905-1)dup has been designated for the purposes of this classification. It has been assumed that this is a tandem duplication in direct orientation (Richardson_GIM_2018, Newman_AJHG_2015). Although exact breakpoints of this duplication are not known, it is expected to result in a frameshift in the ALMS1 gene. The variant was absent in 21694 control chromosomes. The available data on variant occurrences in the general population are insufficient to allow any conclusion about variant significance. To our knowledge, no occurrence of c.(7671+1_7672-1)_(9904+1_9905-1)dup in individuals affected with Alstrom Syndrome and no experimental evidence demonstrating its impact on protein function have been reported. One clinical diagnostic laboratory has submitted clinical-significance assessments for this variant to ClinVar after 2014 without evidence for independent evaluation and classified the variant as likely pathogenic. Based on the evidence outlined above, the variant was classified as uncertain significance.

NC_000002.11:g.(73682423_73716760)_(73762077_73777393)dup

Gene: ALMS1 (ALMS1 centrosome and basal body associated protein; plus strand). Cytogenetic location: 2p13.1.
Variant type: Duplication.
Identifiers: ClinVar variation 1677114 (VCV001677114.1).